The following is an entry in ClinVar:

NM_013275.6(ANKRD11):c.2872T>C (p.Cys958Arg)

Gene: ANKRD11 (ankyrin repeat domain containing 11; minus strand). Cytogenetic location: 16q24.3.
Variant type: single nucleotide variant.
Coding change: c.2872T>C on transcript NM_013275.6 (MANE Select); coding-DNA position 2872, T replaced by C.
Protein change: p.Cys958Arg; replaces cysteine 958 with arginine.
Molecular consequence: missense variant.
Genome position (GRCh38, 1-based): chr16:89,283,670, A>G on the plus strand (T>C on the coding strand, the complement: ANKRD11 is on the minus strand). VCF-style: chr16-89283670-A-G. GRCh37 (hg19) VCF-style: chr16-89350078-A-G.
Other names: c.2872T>C, p.Cys958Arg (NM_001256182.2, NM_001256183.2); short protein forms C958R.
Identifiers: ClinVar variation 3899661 (VCV003899661.1).

ClinVar aggregate classification (germline): Uncertain significance (1 of 4 stars; one submission).

Submission:

GeneDx
Classification: Uncertain significance. Last evaluated: 2024-11-14. Review status: criteria provided, single submitter. Criteria: GeneDx Variant Classification Process June 2021. Collection method: clinical testing. Allele origin: germline. Affected: yes.
Comment: Not observed at significant frequency in large population cohorts (gnomAD); In silico analysis indicates that this missense variant does not alter protein structure/function; Has not been previously published as pathogenic or benign to our knowledge